The following is an entry in ClinVar:

NM_000059.4(BRCA2):c.6937+592A>G

Gene: BRCA2 (BRCA2 DNA repair associated; plus strand). Cytogenetic location: 13q13.1.
Variant type: single nucleotide variant.
Coding change: c.6937+592A>G on transcript NM_000059.4 (MANE Select); 592 bases into the intron after coding-DNA position 6937, A replaced by G.
Molecular consequence: intron variant.
Genome position (GRCh38, 1-based): chr13:32,345,245, A>G. VCF-style: chr13-32345245-A-G. GRCh37 (hg19) VCF-style: chr13-32919382-A-G.
Identifiers: ClinVar variation 136564 (VCV000136564.1), dbSNP rs587780869, ClinGen allele CA024579.

ClinVar aggregate classification (germline): Benign (1 of 4 stars; one submission).

Allele frequency attached by ClinVar (database versions not stated): TOPMed below 0.00001.

Submission:

GeneDx
Classification: Benign. Last evaluated: 2013-12-17. Review status: criteria provided, single submitter. Criteria: GeneDx Variant Classification (06012015). Collection method: clinical testing. Allele origin: germline. Affected: yes.
Comment: This variant is considered likely benign or benign based on one or more of the following criteria: it is a conservative change, it occurs at a poorly conserved position in the protein, it is predicted to be benign by multiple in silico algorithms, and/or has population frequency not consistent with disease.